The following is an entry in ClinVar:

NM_002230.4(JUP):c.1031A>G (p.Asn344Ser)

Gene: JUP (junction plakoglobin; minus strand). Cytogenetic location: 17q21.2.
Variant type: single nucleotide variant.
Coding change: c.1031A>G on transcript NM_002230.4 (MANE Select); coding-DNA position 1031, A replaced by G.
Protein change: p.Asn344Ser; replaces asparagine 344 with serine.
Molecular consequence: missense variant.
Genome position (GRCh38, 1-based): chr17:41,764,946, T>C on the plus strand (A>G on the coding strand, the complement: JUP is on the minus strand). VCF-style: chr17-41764946-T-C. GRCh37 (hg19) VCF-style: chr17-39921198-T-C.
Other names: c.1031A>G, p.Asn344Ser (NM_001352773.2, NM_001352774.2, NM_001352775.2 and 3 more transcripts); short protein forms N344S.
Identifiers: ClinVar variation 4825898 (VCV004825898.1).

ClinVar aggregate classification (germline): Uncertain significance (1 of 4 stars; one submission).

Conditions:
Cardiovascular phenotype. Identifiers: MedGen CN230736.

gnomAD v4.1: 17 of 1,614,170 alleles (0.0011%); highest among the groups gnomAD compares: Non-Finnish European, 0.0014%; no homozygotes.

Submission:

Ambry Genetics
Classification: Uncertain significance for Cardiovascular phenotype. Last evaluated: 2026-03-07. Review status: criteria provided, single submitter. Criteria: Ambry Variant Classification Scheme 2023. Collection method: clinical testing. Allele origin: germline.
Comment: The p.N344S variant (also known as c.1031A>G), located in coding exon 5 of the JUP gene, results from an A to G substitution at nucleotide position 1031. The asparagine at codon 344 is replaced by serine, an amino acid with highly similar properties. This amino acid position is conserved. In addition, this alteration is predicted to be tolerated by in silico analysis. Based on the available evidence, the clinical significance of this variant remains unclear.